The following is an entry in ClinVar:

NM_000218.3(KCNQ1):c.1393+34458G>A

Genes: KCNQ1 (potassium voltage-gated channel subfamily Q member 1; plus strand), KCNQ1OT1 (KCNQ1 opposite strand/antisense transcript 1; minus strand). Cytogenetic location: 11p15.5.
Variant type: single nucleotide variant.
Coding change: c.1393+34458G>A on transcript NM_000218.3 (MANE Select); 34458 bases into the intron after coding-DNA position 1393, G replaced by A.
Molecular consequence: intron variant. On other transcripts: non-coding transcript variant (1).
Genome position (GRCh38, 1-based): chr11:2,623,312, G>A. VCF-style: chr11-2623312-G-A. GRCh37 (hg19) VCF-style: chr11-2644542-G-A.
Other names: c.1123+34458G>A (NM_001406837.1); c.1297+34458G>A (NM_001406836.1); c.853+34458G>A (NM_001406838.1); c.1012+34458G>A (NM_181798.2).
Identifiers: ClinVar variation 3067765 (VCV003067765.21), dbSNP rs1849204537, ClinGen allele CA472121143.

ClinVar aggregate classification (germline): Uncertain significance (1 of 4 stars; one submission).

Allele frequency attached by ClinVar (database versions not stated): TOPMed below 0.00001.
gnomAD v4.1: 1 of 398,688 alleles (0.00025%); highest among the groups gnomAD compares: Non-Finnish European, 0.00044%; no homozygotes.

Submission:

CeGaT Center for Human Genetics Tuebingen
Classification: Uncertain significance. Last evaluated: 2024-03-01. Review status: criteria provided, single submitter. Criteria: CeGaT Center For Human Genetics Tuebingen Variant Classification Criteria Version 2. Collection method: clinical testing. Allele origin: germline. Affected: yes. Observed: 1 variant allele.
Comment: KCNQ1OT1: PM2